The following is an entry in ClinVar:

ClinVar aggregate classification (germline): Likely benign (1 of 4 stars; one submission).

Conditions:
Catecholaminergic polymorphic ventricular tachycardia (CVPT). Also called: Catecholamine-induced polymorphic ventricular tachycardia. Identifiers: Orphanet 3286, MedGen C5574922, MONDO:0017990.

Submission:

All of Us Research Program, National Institutes of Health
Classification: Likely benign for Catecholaminergic polymorphic ventricular tachycardia. Last evaluated: 2024-05-30. Review status: criteria provided, single submitter. Criteria: ACMG Guidelines, 2015. Collection method: clinical testing. Allele origin: germline. Inheritance: Autosomal dominant inheritance. Observed: 1 variant allele, 1 heterozygote.
Comment: This study involves interpretation of variants in research participants for the purpose of population health screening. Participant phenotype was not available at the time of variant classification. Additional details can be found in publication PMID: 35346344, PMCID: PMC8962531

NM_001035.3(RYR2):c.3599-4C>T

Gene: RYR2 (ryanodine receptor 2; plus strand). Cytogenetic location: 1q43.
Variant type: single nucleotide variant.
Coding change: c.3599-4C>T on transcript NM_001035.3 (MANE Select); 4 bases into the intron before coding-DNA position 3599, C replaced by T.
Molecular consequence: intron variant.
Genome position (GRCh38, 1-based): chr1:237,589,789, C>T. VCF-style: chr1-237589789-C-T. GRCh37 (hg19) VCF-style: chr1-237753089-C-T.
Identifiers: ClinVar variation 3385711 (VCV003385711.1).
Genomic context (GRCh38, chr1:237,589,789, plus strand): 5'-TAATTCTATACTAACAGGATCATATACTAATGGTACTAAAACTTGATTTTTTTTTTCTTC[C>T]CAGGATTCATACCTGTGTGTAGCCTTGGAGTGGCTCAAGTGGGTAGGATGAACTTTGGAA-3'